The following is an entry in ClinVar:

NM_017662.5(TRPM6):c.5314C>T (p.Arg1772Ter)

Gene: TRPM6 (transient receptor potential cation channel subfamily M member 6; minus strand). Cytogenetic location: 9q21.13.
Variant type: single nucleotide variant.
Coding change: c.5314C>T on transcript NM_017662.5 (MANE Select); coding-DNA position 5314, C replaced by T.
Protein change: p.Arg1772Ter; replaces arginine 1772 with a stop codon.
Molecular consequence: nonsense.
Genome position (GRCh38, 1-based): chr9:74,739,896, G>A on the plus strand (C>T on the coding strand, the complement: TRPM6 is on the minus strand). VCF-style: chr9-74739896-G-A. GRCh37 (hg19) VCF-style: chr9-77354812-G-A.
Other names: c.5299C>T, p.Arg1767Ter (NM_001177310.2, NM_001177311.2); short protein forms R1767*, R1772*.
Identifiers: ClinVar variation 1325240 (VCV001325240.6), dbSNP rs1263468898, ClinGen allele CA373676470.

ClinVar aggregate classification (germline): Pathogenic. Review status: criteria provided, multiple submitters, no conflicts (2 of 4 stars). 2 submissions from 2 submitters: Pathogenic (2). Last evaluated 2023-05-30.

Conditions:
Intestinal hypomagnesemia 1. Also called: HYPOMAGNESEMIA, INTESTINAL, WITH SECONDARY HYPOCALCEMIA; HYPOMAGNESEMIC TETANY. Identifiers: Orphanet 30924, MedGen C1865974, MONDO:0011176, OMIM 602014.

Allele frequency attached by ClinVar (database versions not stated): gnomAD exomes below 0.00001.
gnomAD v4.1: 2 of 1,613,974 alleles (0.00012%); highest among the groups gnomAD compares: Non-Finnish European, 0.00017%; no homozygotes.

Submissions (2):

Labcorp Genetics (formerly Invitae), Labcorp
Classification: Pathogenic. Last evaluated: 2023-05-30. Review status: criteria provided, single submitter. Criteria: Invitae Variant Classification Sherloc (09022015). Collection method: clinical testing. Allele origin: germline.
Comment: This variant is present in population databases (no rsID available, gnomAD 0.0009%). This sequence change creates a premature translational stop signal (p.Arg1772*) in the TRPM6 gene. It is expected to result in an absent or disrupted protein product. Loss-of-function variants in TRPM6 are known to be pathogenic (PMID: 16107578). This premature translational stop signal has been observed in individual(s) with TRPM6-related conditions (PMID: 24030239). ClinVar contains an entry for this variant (Variation ID: 1325240). For these reasons, this variant has been classified as Pathogenic.

3billion
Classification: Pathogenic for Intestinal hypomagnesemia 1. Last evaluated: 2022-09-01. Review status: criteria provided, single submitter. Criteria: ACMG Guidelines, 2015. Collection method: clinical testing. Allele origin: germline. Affected: yes. Observed: 1 homozygote.
Comment: The variant is observed at an extremely low frequency in the gnomAD v2.1.1 dataset (total allele frequency: <0.001%). Stop-gained (nonsense) is predicted to result in a loss or disruption of normal protein function through nonsense-mediated decay (NMD) or protein truncation. The homozygous variant has been reported to be associated with TRPM6-related disorder (ClinVar ID: VCV001325240). Thus, this variant is classified as Pathogenic according to the recommendation of ACMG/AMP guideline.

Literature cited by the submitters: PubMed 16107578 (cited by Labcorp Genetics (formerly Invitae), Labcorp); PubMed 24030239 (cited by Labcorp Genetics (formerly Invitae), Labcorp and 3billion).